The following is an entry in ClinVar:

ClinVar aggregate classification (germline): Uncertain significance (1 of 4 stars; one submission).

Allele frequency attached by ClinVar (database versions not stated): gnomAD exomes below 0.00001 and 0.00001; gnomAD 0.00001; TOPMed 0.00001.
gnomAD v4.1: 10 of 1,613,042 alleles (0.00062%); highest among the groups gnomAD compares: Non-Finnish European, 0.00025%; no homozygotes.

Submission:

GeneDx
Classification: Uncertain significance. Last evaluated: 2019-12-24. Review status: criteria provided, single submitter. Criteria: GeneDx Variant Classification Process June 2021. Collection method: clinical testing. Allele origin: germline. Affected: yes.
Comment: In silico analysis, which includes protein predictors and evolutionary conservation, supports a deleterious effect; Has not been previously published as pathogenic or benign to our knowledge

NM_000091.5(COL4A3):c.2531C>T (p.Pro844Leu)

Genes: COL4A3 (collagen type IV alpha 3 chain; plus strand), MFF-DT (MFF divergent transcript; minus strand). Cytogenetic location: 2q36.3.
Variant type: single nucleotide variant.
Coding change: c.2531C>T on transcript NM_000091.5 (MANE Select); coding-DNA position 2531, C replaced by T.
Protein change: p.Pro844Leu; replaces proline 844 with leucine.
Molecular consequence: missense variant.
Genome position (GRCh38, 1-based): chr2:227,282,407, C>T. VCF-style: chr2-227282407-C-T. GRCh37 (hg19) VCF-style: chr2-228147123-C-T.
Other names: short protein forms P844L.
Identifiers: ClinVar variation 1311595 (VCV001311595.2), dbSNP rs1385197225, ClinGen allele CA350850213.